The following is an entry in ClinVar:

NM_001267550.2(TTN):c.85072A>T (p.Met28358Leu)

Genes: TTN-AS1 (TTN antisense RNA 1; plus strand), TTN (titin; minus strand). Cytogenetic location: 2q31.2.
Variant type: single nucleotide variant.
Coding change: c.85072A>T on transcript NM_001267550.2 (MANE Select); coding-DNA position 85072, A replaced by T.
Protein change: p.Met28358Leu; replaces methionine 28358 with leucine.
Molecular consequence: missense variant.
Genome position (GRCh38, 1-based): chr2:178,561,060, T>A on the plus strand (A>T on the coding strand, the complement: TTN is on the minus strand). VCF-style: chr2-178561060-T-A. GRCh37 (hg19) VCF-style: chr2-179425787-T-A.
Other names: p.M26717L:ATG>TTG; c.80149A>T, p.Met26717Leu (NM_001256850.1); c.57877A>T, p.Met19293Leu (NM_003319.4); c.77368A>T, p.Met25790Leu (NM_133378.4); c.58252A>T, p.Met19418Leu (NM_133432.3); c.58453A>T, p.Met19485Leu (NM_133437.4); short protein forms M26717L, M28358L, M19485L, M19293L, M25790L, M19418L.
Identifiers: ClinVar variation 202927 (VCV000202927.5), dbSNP rs368069666, ClinGen allele CA310713.
Genomic context (GRCh38, chr2:178,561,060, plus strand): 5'-TTATCTTAAGGACCTCTCCAGCTTTGACAACAATAACGTCTCGGAACTTGACATCCATCA[T>A]AACTCTTGGAGGCTCAACATCATCTTTAACTATAATAGGCCCAGTGGATTCAGATGGCTC-3'
Protein context (NP_001254479.2, residues 28348-28368): VKDDVEPPRV[Met28358Leu]MDVKFRDVIV

ClinVar aggregate classification (germline): Conflicting classifications of pathogenicity. Review status: criteria provided, conflicting classifications (1 of 4 stars). 3 submissions from 3 submitters: Uncertain significance (2); Likely benign (1). Last evaluated 2026-05-26.

Conditions:
TTN-related disorder. Also called: TTN-related condition; TTN-related disease; TTN-related disorders.

Allele frequency attached by ClinVar (database versions not stated): ExAC 0.00001; TOPMed 0.00001; gnomAD 0.00002; gnomAD exomes 0.00002 and 0.00003; ESP Exome Variant Server 0.00008.
gnomAD v4.1: 46 of 1,613,772 alleles (0.0029%); highest among the groups gnomAD compares: Non-Finnish European, 0.0038%; no homozygotes.

Submissions (3):

PreventionGenetics, part of Exact Sciences
Classification: Uncertain significance for TTN-related condition. Last evaluated: 2026-05-26. Review status: criteria provided, single submitter. Criteria: ACMG Guidelines, 2015. Collection method: clinical testing. Allele origin: germline.
Comment: The TTN c.85072A>T variant is predicted to result in the amino acid substitution p.Met28358Leu. To our knowledge, this variant has not been reported in the literature. This variant is reported in 0.0039% of alleles in individuals of European (Non-Finnish) descent in gnomAD. At this time, the clinical significance of this variant is uncertain due to the absence of conclusive functional and genetic evidence.

Revvity Omics, Revvity
Classification: Uncertain significance. Last evaluated: 2022-03-15. Review status: criteria provided, single submitter. Criteria: ACMG Guidelines, 2015. Collection method: clinical testing. Allele origin: germline.

GeneDx
Classification: Likely benign. Last evaluated: 2018-01-30. Review status: criteria provided, single submitter. Criteria: GeneDx Variant Classification (06012015). Collection method: clinical testing. Allele origin: germline. Affected: yes.
Comment: This variant is considered likely benign or benign based on one or more of the following criteria: it is a conservative change, it occurs at a poorly conserved position in the protein, it is predicted to be benign by multiple in silico algorithms, and/or has population frequency not consistent with disease.